The following is an entry in ClinVar:

ClinVar aggregate classification (germline): Uncertain significance (1 of 4 stars; one submission).

Conditions:
Primary ciliary dyskinesia. Also called: Ciliary dyskinesia. Identifiers: Orphanet 244, MedGen C0008780, MONDO:0016575, HP:0012265.

Allele frequency attached by ClinVar (database versions not stated): gnomAD exomes below 0.00001.
gnomAD v4.1: 5 of 1,590,308 alleles (0.00031%); highest among the groups gnomAD compares: African/African-American, 0.0014%; no homozygotes.

Submission:

Labcorp Genetics (formerly Invitae), Labcorp
Classification: Uncertain significance for Primary ciliary dyskinesia. Last evaluated: 2017-09-27. Review status: criteria provided, single submitter. Criteria: Invitae Variant Classification Sherloc (09022015). Collection method: clinical testing. Allele origin: germline.
Comment: This variant is not present in population databases (ExAC no frequency). In summary, the available evidence is currently insufficient to determine the role of this variant in disease. Therefore, it has been classified as a Variant of Uncertain Significance. Algorithms developed to predict the effect of missense changes on protein structure and function do not agree on the potential impact of this missense change (SIFT: "Deleterious"; Align-GVGD: "Class C0"). This variant has not been reported in the literature in individuals with DNAH8-related disease. This sequence change replaces arginine with glycine at codon 3003 of the DNAH8 protein (p.Arg3003Gly). The arginine residue is highly conserved and there is a moderate physicochemical difference between arginine and glycine.

NM_001206927.2(DNAH8):c.9007A>G (p.Arg3003Gly)

Gene: DNAH8 (dynein axonemal heavy chain 8; plus strand). Cytogenetic location: 6p21.2.
Variant type: single nucleotide variant.
Coding change: c.9007A>G on transcript NM_001206927.2 (MANE Select); coding-DNA position 9007, A replaced by G.
Protein change: p.Arg3003Gly; replaces arginine 3003 with glycine.
Molecular consequence: missense variant.
Genome position (GRCh38, 1-based): chr6:38,898,324, A>G. VCF-style: chr6-38898324-A-G. GRCh37 (hg19) VCF-style: chr6-38866100-A-G.
Other names: c.8356A>G, p.Arg2786Gly (NM_001371.4); short protein forms R3003G, R2786G.
Identifiers: ClinVar variation 525278 (VCV000525278.9), dbSNP rs1554130647, ClinGen allele CA363999504.
Genomic context (GRCh38, chr6:38,898,324, plus strand): 5'-TCCTTTGACTTTCTGGCTGAAAAACTCCAGTTTTACCAGAGACAGTTCAATGAAATCATT[A>G]GAGGAACATCTCTTGATCTGGTGTTTTTTAAAGATGCAATGACTCATCTTATTAAGGTCC-3'
Protein context (NP_001193856.1, residues 2993-3013): FYQRQFNEII[Arg3003Gly]GTSLDLVFFK